The following is an entry in ClinVar:

NM_016169.4(SUFU):c.1063A>G (p.Ile355Val)

Gene: SUFU (SUFU negative regulator of hedgehog signaling; plus strand). Cytogenetic location: 10q24.32.
Variant type: single nucleotide variant.
Coding change: c.1063A>G on transcript NM_016169.4 (MANE Select); coding-DNA position 1063, A replaced by G.
Protein change: p.Ile355Val; replaces isoleucine 355 with valine.
Molecular consequence: missense variant.
Genome position (GRCh38, 1-based): chr10:102,615,308, A>G. VCF-style: chr10-102615308-A-G. GRCh37 (hg19) VCF-style: chr10-104375065-A-G.
Other names: c.1063A>G, p.Ile355Val (NM_001178133.2); short protein forms I355V.
Identifiers: ClinVar variation 576950 (VCV000576950.11), dbSNP rs1564706425, ClinGen allele CA377913890.

ClinVar aggregate classification (germline): Uncertain significance. Review status: criteria provided, multiple submitters, no conflicts (2 of 4 stars). 2 submissions from 2 submitters: Uncertain significance (2). Last evaluated 2025-01-08.

Conditions:
Gorlin syndrome. Also called: Basal cell nevus syndrome; Nevoid Basal Cell Carcinoma Syndrome. Identifiers: Orphanet 377, MedGen C0004779, MONDO:0007187.
Medulloblastoma (MDB). Also called: MEDULLOBLASTOMA PREDISPOSITION SYNDROME; Medulloblastoma, somatic. Identifiers: Orphanet 616, MedGen C0025149, MeSH D008527, MONDO:0007959, OMIM 155255, HP:0002885.
Hereditary cancer-predisposing syndrome. Also called: Hereditary neoplastic syndrome; Tumor predisposition; Hereditary Cancer Syndrome; Neoplastic Syndromes, Hereditary. Identifiers: Orphanet 140162, MedGen C0027672, MeSH D009386, MONDO:0015356.

Allele frequency attached by ClinVar (database versions not stated): TOPMed below 0.00001.

Submissions (2):

Labcorp Genetics (formerly Invitae), Labcorp
Classification: Uncertain significance for Gorlin syndrome; Medulloblastoma. Last evaluated: 2025-01-08. Review status: criteria provided, single submitter. Criteria: Invitae Variant Classification Sherloc (09022015). Collection method: clinical testing. Allele origin: germline.
Comment: This sequence change replaces isoleucine, which is neutral and non-polar, with valine, which is neutral and non-polar, at codon 355 of the SUFU protein (p.Ile355Val). This variant is not present in population databases (gnomAD no frequency). This variant has not been reported in the literature in individuals affected with SUFU-related conditions. ClinVar contains an entry for this variant (Variation ID: 576950). Invitae Evidence Modeling of protein sequence and biophysical properties (such as structural, functional, and spatial information, amino acid conservation, physicochemical variation, residue mobility, and thermodynamic stability) indicates that this missense variant is not expected to disrupt SUFU protein function with a negative predictive value of 80%. In summary, the available evidence is currently insufficient to determine the role of this variant in disease. Therefore, it has been classified as a Variant of Uncertain Significance.

Ambry Genetics
Classification: Uncertain significance for Hereditary cancer-predisposing syndrome. Last evaluated: 2023-06-28. Review status: criteria provided, single submitter. Criteria: Ambry Variant Classification Scheme 2023. Collection method: clinical testing. Allele origin: germline.
Comment: The p.I355V variant (also known as c.1063A>G), located in coding exon 9 of the SUFU gene, results from an A to G substitution at nucleotide position 1063. The isoleucine at codon 355 is replaced by valine, an amino acid with highly similar properties. This amino acid position is conserved. In addition, this alteration is predicted to be tolerated by in silico analysis. Since supporting evidence is limited at this time, the clinical significance of this alteration remains unclear.